The following is an entry in ClinVar:

ClinVar aggregate classification (germline): Uncertain significance (1 of 4 stars; one submission).

Conditions:
Congenital myasthenic syndrome 12 (CMS12). Also called: MYASTHENIC SYNDROME, CONGENITAL, WITH TUBULAR AGGREGATES 1; Myasthenia, congenital, 12, with tubular aggregates. Identifiers: Orphanet 353327, Orphanet 590, MedGen C3552335, MONDO:0012518, OMIM 610542.

Submission:

Labcorp Genetics (formerly Invitae), Labcorp
Classification: Uncertain significance for Congenital myasthenic syndrome 12. Last evaluated: 2020-11-15. Review status: criteria provided, single submitter. Criteria: Invitae Variant Classification Sherloc (09022015). Collection method: clinical testing. Allele origin: germline.
Comment: This sequence change replaces aspartic acid with alanine at codon 304 of the GFPT1 protein (p.Asp304Ala). The aspartic acid residue is moderately conserved and there is a moderate physicochemical difference between aspartic acid and alanine. This variant is not present in population databases (ExAC no frequency). This variant has not been reported in the literature in individuals with GFPT1-related conditions. Algorithms developed to predict the effect of missense changes on protein structure and function are either unavailable or do not agree on the potential impact of this missense change (SIFT: "Deleterious"; PolyPhen-2: "Benign"; Align-GVGD: "Class C0"). In summary, the available evidence is currently insufficient to determine the role of this variant in disease. Therefore, it has been classified as a Variant of Uncertain Significance.

NM_001244710.2(GFPT1):c.911A>C (p.Asp304Ala)

Gene: GFPT1 (glutamine--fructose-6-phosphate transaminase 1; minus strand). Cytogenetic location: 2p13.3.
Variant type: single nucleotide variant.
Coding change: c.911A>C on transcript NM_001244710.2 (MANE Select); coding-DNA position 911, A replaced by C.
Protein change: p.Asp304Ala; replaces aspartic acid 304 with alanine.
Molecular consequence: missense variant.
Genome position (GRCh38, 1-based): chr2:69,348,269, T>G on the plus strand (A>C on the coding strand, the complement: GFPT1 is on the minus strand). VCF-style: chr2-69348269-T-G. GRCh37 (hg19) VCF-style: chr2-69575401-T-G.
Other names: c.857A>C, p.Asp286Ala (NM_002056.4); short protein forms D286A, D304A.
Identifiers: ClinVar variation 1474881 (VCV001474881.8), dbSNP rs2104635949, ClinGen allele CA347127993.
Genomic context (GRCh38, chr2:69,348,269, plus strand): 5'-ACAGCTCGTCCGGGGTGATCTCCTGCAGTTCGTTTAATTCGATGGATAGAAAGACGTCCA[T>G]CCACTACTGCTGCAACATCATCATCTTCCAGAAAGATGACGCGATTGGTGTGTTCTATGA-3'
Protein context (NP_001231639.1, residues 294-314): LEDDDVAAVV[Asp304Ala]GRLSIHRIKR